The following is an entry in ClinVar:

NM_000256.3(MYBPC3):c.1591G>A (p.Gly531Arg)

Gene: MYBPC3 (myosin binding protein C3; minus strand). Cytogenetic location: 11p11.2.
Variant type: single nucleotide variant.
Coding change: c.1591G>A on transcript NM_000256.3 (MANE Select); coding-DNA position 1591, G replaced by A.
Protein change: p.Gly531Arg; replaces glycine 531 with arginine.
Molecular consequence: missense variant.
Genome position (GRCh38, 1-based): chr11:47,342,611, C>T on the plus strand (G>A on the coding strand, the complement: MYBPC3 is on the minus strand). VCF-style: chr11-47342611-C-T. GRCh37 (hg19) VCF-style: chr11-47364162-C-T.
Other names: short protein forms G531R.
Identifiers: ClinVar variation 164109 (VCV000164109.94), dbSNP rs397515912, ClinGen allele CA010674.

ClinVar aggregate classification (germline): Conflicting classifications of pathogenicity. Review status: criteria provided, conflicting classifications (1 of 4 stars). 26 submissions from 26 submitters: Pathogenic (1); Likely pathogenic (21); Uncertain significance (1). 3 of the submissions do not count toward it. Last evaluated 2025-12-19.

Conditions:
Hypertrophic cardiomyopathy 4. Also called: Familial hypertrophic cardiomyopathy 4. Identifiers: MedGen C1861862, MONDO:0007268, OMIM 115197.
Hypertrophic cardiomyopathy. Also called: HYPERTROPHIC MYOCARDIOPATHY. Identifiers: Orphanet 217569, MedGen C0007194, MeSH D002312, MONDO:0005045, HP:0001639.
MYBPC3-related disorder. Also called: MYBPC3-related disorders; MYBPC3-related condition; MYBPC3-related disease.
Cardiovascular phenotype. Identifiers: MedGen CN230736.
Left ventricular noncompaction 10 (LVNC10). Identifiers: Orphanet 154, Orphanet 54260, MedGen C3715165, MONDO:0014163, OMIM 615396.
Cardiomyopathy (CMYO). Also called: Cardiomyopathies. Identifiers: Orphanet 167848, MedGen C0878544, MONDO:0004994, HP:0001638. Inheritance: Various modes of inheritance.
Primary familial hypertrophic cardiomyopathy (HCM). Identifiers: Orphanet 99739, MedGen C0949658, MeSH D024741, MONDO:0024573. Inheritance: Various modes of inheritance.

Allele frequency attached by ClinVar (database versions not stated): TOPMed 0.00006.
gnomAD v4.1: 34 of 1,612,338 alleles (0.0021%); highest among the groups gnomAD compares: East Asian, 0.0089%; no homozygotes.

Submissions 1 to 8 of 26:

Women's Health and Genetics/Laboratory Corporation of America, LabCorp
Classification: Likely pathogenic for Cardiomyopathy. Last evaluated: 2025-12-19. Review status: criteria provided, single submitter. Criteria: LabCorp Variant Classification Summary - May 2015. Collection method: clinical testing. Allele origin: germline.
Comment: Variant summary: MYBPC3 c.1591G>A (p.Gly531Arg) results in a non-conservative amino acid change in the encoded protein sequence. Algorithms developed to predict the effect of missense changes on protein structure and function all suggest that this variant is likely to be disruptive. The variant allele was found at a frequency of 3.2e-05 in 247486 control chromosomes. c.1591G>A has been observed in individual(s) affected with Cardiomyopathy (Coto_2012, Coto_2010, DiDonna_2010, Garcia-Castro_2009, Girolami_2006, Ho_2013, Waldmuller_2011, Olivotto_2008, Valente_2013, Sequeira_2013, Hathaway_2021). These data indicate that the variant is likely to be associated with disease. A different variant resulting in the same amino acid consequence has been classified as likely pathogenic by our lab (c.1591G>C, p.Gly531Arg), supporting the pathogenicity of this variant. To our knowledge, no experimental evidence demonstrating an impact on protein function has been reported. The following publications have been ascertained in the context of this evaluation (PMID: 22765922, 20594303, 20173211, 19150014, 16858239, 33673806, 23549607, 18533079, 23508784, 23690394, 21750094). ClinVar contains an entry for this variant (Variation ID: 164109). Based on the evidence outlined above, the variant was classified as likely pathogenic.

Labcorp Genetics (formerly Invitae), Labcorp
Classification: Likely pathogenic for Hypertrophic cardiomyopathy. Last evaluated: 2025-11-25. Review status: criteria provided, single submitter. Criteria: Invitae Variant Classification Sherloc (09022015). Collection method: clinical testing. Allele origin: germline.
Comment: This sequence change replaces glycine, which is neutral and non-polar, with arginine, which is basic and polar, at codon 531 of the MYBPC3 protein (p.Gly531Arg). This variant is present in population databases (rs397515912, gnomAD 0.006%). This missense change has been observed in individuals with hypertrophic cardiomyopathy (PMID: 18533079, 20624503, 21750094, 23508784, 27483260, 27532257, 27600940, 28356264, 31941943, 33673806, 36291626). ClinVar contains an entry for this variant (Variation ID: 164109). An algorithm developed to predict the effect of missense changes on protein structure and function (PolyPhen-2) suggests that this variant is likely to be disruptive. In summary, the currently available evidence indicates that the variant is pathogenic, but additional data are needed to prove that conclusively. Therefore, this variant has been classified as Likely Pathogenic.

Variantyx, Inc.
Classification: Likely pathogenic for Hypertrophic cardiomyopathy 4. Last evaluated: 2025-10-30. Review status: criteria provided, single submitter. Criteria: Variantyx Assertion Criteria 2022. Collection method: clinical testing. Allele origin: germline. Inheritance: Autosomal dominant inheritance. Affected: yes.
Comment: This is a nonsynonymous variant in the MYBPC3 gene (OMIM: 600958). Pathogenic variants in this gene have been associated with autosomal dominant hypertrophic cardiomyopathy 4. This variant has been reported in the heterozygous state in at least many unrelated affected individuals (PMID:¬†33673806, 28798025, 27532257, 27600940, 27483260, 25351510). Multiple computational algorithms predict a deleterious effect for this variant (REVEL score: 0.854) (PP3) and an alternate nucleotide substitution resulting in the same amino acid change (c.1591G>C) has been previously reported as pathogenic (PMID: 27108529) (PS1). This variant has a 0.0089% maximum allele frequency in non-founder control populations. Based on the current evidence, this variant is classified as likely pathogenic for autosomal dominant hypertrophic cardiomyopathy 4.

GeneDx
Classification: Likely pathogenic. Last evaluated: 2025-10-13. Review status: criteria provided, single submitter. Criteria: GeneDx Variant Classification Process June 2021. Collection method: clinical testing. Allele origin: germline. Affected: yes.
Comment: Published functional studies suggest a damaging effect in mouse engineered heart tissue (PMID: 27108529); In silico analysis supports that this missense variant has a deleterious effect on protein structure/function; This variant is associated with the following publications: (PMID: 16858239, 27532257, 20031602, 19150014, 20173211, 20594303, 21750094, 22765922, 23690394, 23508784, 27590665, 28356264, 28193612, 28152038, 28679633, 33673806, 39260623, 32369506, 38259611, 35130036, Emrahi2022, 36264615, 37652022, 18533079, 39669589, 38374194, 38456273, 27108529, 39486665, 34714385)

Color Diagnostics, LLC DBA Color Health
Classification: Likely pathogenic for Cardiomyopathy. Last evaluated: 2025-07-07. Review status: criteria provided, single submitter. Criteria: ACMG Guidelines, 2015. Collection method: clinical testing. Allele origin: germline.
Comment: This missense variant replaces glycine with arginine at codon 531 of the MYBPC3 protein (c.1591G>Ap.Gly531Arg). Computational prediction tools indicate that this variant has a deleterious impact on protein structure and function. A functional study has shown that a different nucleotide change with the same protein effect (c.1591G>Cp.Gly531ArgClinVar variation ID: 164109) was unable to rescue the hypercontractile phenotype of heart tissue from Mybpc3 knockout mouse (PMID: 27108529). Considering both c.1591G>A and c.1591G>C nucleotide changes, the p.Gly531Arg missense variant has been reported in over 15 individuals affected with hypertrophic cardiomyopathy (PMID: 16858239, 18533079, 19150014, 20624503, 21750094, 21835320, 22765922, 23508784, 27483260, 27532257, 28356264, 32369506, 33495597, 33673806, 33782553, 36291626, 38259611, 38938358). This variant has been identified in 8/247086 chromosomes in the general population by the Genome Aggregation Database (gnomAD). Based on the available evidence, this variant is classified as Likely Pathogenic.

Ambry Genetics
Classification: Likely pathogenic for Cardiovascular phenotype. Last evaluated: 2025-02-18. Review status: criteria provided, single submitter. Criteria: Ambry Variant Classification Scheme 2023. Collection method: clinical testing. Allele origin: germline.
Comment: The p.G531R variant (also known as c.1591G>A), located in coding exon 17 of the MYBPC3 gene, results from a G to A substitution at nucleotide position 1591. The glycine at codon 531 is replaced by arginine, an amino acid with dissimilar properties. This variant and another variant leading to the same amino acid substitution (MYBPC3 c.1591G>C) have been reported in multiple unrelated patients with hypertrophic cardiomyopathy (HCM) (Girolami F et al. J Cardiovasc Med (Hagerstown), 2006 Aug;7:601-7; Olivotto I et al. Mayo Clin Proc, 2008 Jun;83:630-8; Garc&iacute;a-Castro M et al. Rev Esp Cardiol, 2009 Jan;62:48-56; Ho CY et al. Circ Cardiovasc Genet, 2009 Aug;2:314-21; Millat G et al. Eur J Med Genet, 2010 Jul;53:261-7; Waldm&uuml;ller S et al. Eur J Heart Fail, 2011 Nov;13:1185-92; Lopes LR et al. Heart, 2015 Feb;101:294-301; Rubattu S et al. Int J Mol Sci, 2016 Jul;17:[ePub ahead of print]; Walsh R et al. Genet Med, 2017 Feb;19:192-203; external communication; Ambry internal data). In a functional study utilizing engineered heart tissue derived from MYBPC3 knockout cardiomyocytes, c.1591G>C p.G531R was unable to completely rescue the hypercontractile phenotype of the knockout tissue; however, the physiological relevance of this result is unclear (Wijnker PJ et al. J. Mol. Cell. Cardiol. 2016;97:82-92). This amino acid position is highly conserved in available vertebrate species. In addition, this alteration is predicted to be deleterious by in silico analysis. Based on the majority of available evidence to date, this variant is likely to be pathogenic.

Molecular Diagnostic Laboratory for Inherited Cardiovascular Disease, Montreal Heart Institute
Classification: Pathogenic for Cardiovascular phenotype. Last evaluated: 2024-12-03. Review status: criteria provided, single submitter. Criteria: ACMG Guidelines, 2015. Collection method: clinical testing. Allele origin: germline. Affected: yes.
Comment: PS1, PS4, PS3_mod, PM2

Blueprint Genetics
Classification: Uncertain significance. Last evaluated: 2024-11-24. Review status: criteria provided, single submitter. Criteria: ACMG Guidelines, 2015. Collection method: clinical testing. Allele origin: germline.